The following is an entry in ClinVar:

ClinVar aggregate classification (germline): Uncertain significance (1 of 4 stars; one submission).

Conditions:
Cardiovascular phenotype. Identifiers: MedGen CN230736.
Hereditary cancer-predisposing syndrome. Also called: Neoplastic Syndromes, Hereditary; Tumor predisposition; Hereditary neoplastic syndrome; Hereditary Cancer Syndrome. Identifiers: Orphanet 140162, MedGen C0027672, MeSH D009386, MONDO:0015356.

Submission:

Ambry Genetics
Classification: Uncertain significance for Cardiovascular phenotype; Hereditary cancer-predisposing syndrome. Last evaluated: 2026-07-28. Review status: criteria provided, single submitter. Criteria: Ambry Variant Classification Scheme 2023. Collection method: clinical testing. Allele origin: germline.
Comment: The p.L1716M variant (also known as c.5146C>A), located in coding exon 36 of the NF1 gene, results from a C to A substitution at nucleotide position 5146. The leucine at codon 1716 is replaced by methionine, an amino acid with highly similar properties. This amino acid position is conserved. In addition, this alteration is predicted to be tolerated by in silico analysis. Based on the available evidence, the clinical significance of this variant remains unclear.

NM_001042492.3(NF1):c.5209C>A (p.Leu1737Met)

Gene: NF1 (neurofibromin 1; plus strand). Cytogenetic location: 17q11.2.
Variant type: single nucleotide variant.
Coding change: c.5209C>A on transcript NM_001042492.3 (MANE Select); coding-DNA position 5209, C replaced by A.
Protein change: p.Leu1737Met; replaces leucine 1737 with methionine.
Molecular consequence: missense variant.
Genome position (GRCh38, 1-based): chr17:31,326,193, C>A. VCF-style: chr17-31326193-C-A. GRCh37 (hg19) VCF-style: chr17-29653211-C-A.
Other names: c.5146C>A, p.Leu1716Met (NM_000267.4); short protein forms L1716M, L1737M.
Identifiers: ClinVar variation 5025592 (VCV005025592.1).